The following is an entry in ClinVar:

NM_000138.5(FBN1):c.3718G>A (p.Asp1240Asn)

Gene: FBN1 (fibrillin 1; minus strand). Cytogenetic location: 15q21.1.
Variant type: single nucleotide variant.
Coding change: c.3718G>A on transcript NM_000138.5 (MANE Select); coding-DNA position 3718, G replaced by A.
Protein change: p.Asp1240Asn; replaces aspartic acid 1240 with asparagine.
Molecular consequence: missense variant.
Genome position (GRCh38, 1-based): chr15:48,483,938, C>T on the plus strand (G>A on the coding strand, the complement: FBN1 is on the minus strand). VCF-style: chr15-48483938-C-T. GRCh37 (hg19) VCF-style: chr15-48776135-C-T.
Other names: p.D1240N:GAT>AAT; short protein forms D1240N.
Identifiers: ClinVar variation 200024 (VCV000200024.20), dbSNP rs573187346, ClinGen allele CA014486.

ClinVar aggregate classification (germline): Conflicting classifications of pathogenicity. Review status: criteria provided, conflicting classifications (1 of 4 stars). 6 submissions from 6 submitters: Uncertain significance (5); Likely benign (1). Last evaluated 2025-09-05.

Conditions:
Marfan syndrome (MFS). Also called: Marfan syndrome, classic; FBN1-Related Marfan Syndrome; Marfan syndrome type 1; Marfan's syndrome; MARFAN SYNDROME, TYPE I. Identifiers: Orphanet 284963, Orphanet 558, MedGen C0024796, MONDO:0007947, OMIM 154700.
Familial thoracic aortic aneurysm and aortic dissection (TAAD). Also called: Thoracic aortic aneurysms and dissections. Identifiers: Orphanet 91387, MedGen C4707243, MONDO:0019625.

Allele frequency attached by ClinVar (database versions not stated): TOPMed 0.00003; gnomAD exomes 0.00003 and 0.00002; gnomAD 0.00001 and 0.00002; ExAC 0.00003.
gnomAD v4.1: 38 of 1,612,804 alleles (0.0024%); highest among the groups gnomAD compares: South Asian, 0.018%; no homozygotes.

Submissions (6):

Color Diagnostics, LLC DBA Color Health
Classification: Likely benign for Familial thoracic aortic aneurysm and aortic dissection. Last evaluated: 2025-09-05. Review status: criteria provided, single submitter. Criteria: ACMG Guidelines, 2015. Collection method: clinical testing. Allele origin: germline.

Labcorp Genetics (formerly Invitae), Labcorp
Classification: Uncertain significance for Marfan syndrome; Familial thoracic aortic aneurysm and aortic dissection. Last evaluated: 2024-12-12. Review status: criteria provided, single submitter. Criteria: Invitae Variant Classification Sherloc (09022015). Collection method: clinical testing. Allele origin: germline.
Comment: This sequence change replaces aspartic acid, which is acidic and polar, with asparagine, which is neutral and polar, at codon 1240 of the FBN1 protein (p.Asp1240Asn). This variant is present in population databases (rs573187346, gnomAD 0.02%). This variant has not been reported in the literature in individuals affected with FBN1-related conditions. ClinVar contains an entry for this variant (Variation ID: 200024). Invitae Evidence Modeling of protein sequence and biophysical properties (such as structural, functional, and spatial information, amino acid conservation, physicochemical variation, residue mobility, and thermodynamic stability) indicates that this missense variant is expected to disrupt FBN1 protein function with a positive predictive value of 95%. In summary, the available evidence is currently insufficient to determine the role of this variant in disease. Therefore, it has been classified as a Variant of Uncertain Significance.

All of Us Research Program, National Institutes of Health
Classification: Uncertain significance for Marfan syndrome. Last evaluated: 2024-06-11. Review status: criteria provided, single submitter. Criteria: ACMG Guidelines, 2015. Collection method: clinical testing. Allele origin: germline. Inheritance: Autosomal dominant inheritance. Observed: 8 variant alleles, 8 heterozygotes.
Comment: This missense variant replaces aspartic acid with asparagine at codon 1240 of the FBN1 protein. Computational prediction is inconclusive regarding the impact of this variant on protein structure and function (internally defined REVEL score threshold 0.5 < inconclusive < 0.7, PMID: 27666373). To our knowledge, functional studies have not been reported for this variant. This variant has not been reported in individuals affected with cardiovascular disorders in the literature. This variant has been identified in 8/250246 chromosomes in the general population by the Genome Aggregation Database (gnomAD). The available evidence is insufficient to determine the role of this variant in disease conclusively. Therefore, this variant is classified as a Variant of Uncertain Significance.

This study involves interpretation of variants in research participants for the purpose of population health screening. Participant phenotype was not available at the time of variant classification. Additional details can be found in publication PMID: 35346344, PMCID: PMC8962531

Women's Health and Genetics/Laboratory Corporation of America, LabCorp
Classification: Uncertain significance. Last evaluated: 2023-08-09. Review status: criteria provided, single submitter. Criteria: LabCorp Variant Classification Summary - May 2015. Collection method: clinical testing. Allele origin: germline.
Comment: Variant summary: FBN1 c.3718G>A (p.Asp1240Asn) results in a conservative amino acid change located in the EGF-like domain (IPR000742) of the encoded protein sequence. Three of five in-silico tools predict a damaging effect of the variant on protein function. The variant allele was found at a frequency of 3.2e-05 in 250246 control chromosomes. The available data on variant occurrences in the general population are insufficient to allow any conclusion about variant significance. To our knowledge, no occurrence of c.3718G>A in individuals affected with Marfan Syndrome and no experimental evidence demonstrating its impact on protein function have been reported. Four submitters have cited clinical-significance assessments for this variant to ClinVar after 2014. All submitters classified the variant as uncertain significance. Based on the evidence outlined above, the variant was classified as uncertain significance.

Ambry Genetics
Classification: Uncertain significance for Familial thoracic aortic aneurysm and aortic dissection. Last evaluated: 2020-09-21. Review status: criteria provided, single submitter. Criteria: Ambry Variant Classification Scheme 2023. Collection method: clinical testing. Allele origin: germline.
Comment: The p.D1240N variant (also known as c.3718G>A), located in coding exon 30 of the FBN1 gene, results from a G to A substitution at nucleotide position 3718. The aspartic acid at codon 1240 is replaced by asparagine, an amino acid with highly similar properties, and is located in the cbEGF-like #16 domain. This amino acid position is highly conserved in available vertebrate species. In addition, the in silico prediction for this alteration is inconclusive. Since supporting evidence is limited at this time, the clinical significance of this alteration remains unclear.

GeneDx
Classification: Uncertain significance. Last evaluated: 2019-04-01. Review status: criteria provided, single submitter. Criteria: GeneDx Variant Classification Process June 2021. Collection method: clinical testing. Allele origin: germline. Affected: yes.
Comment: Has not been previously published as pathogenic or benign to our knowledge; Identified in other patients referred for connective tissue genetic testing at GeneDx; one of these patients was found to harbor a second, pathogenic variant in FBN1, although the phase of these variants is unknown; Reported in ClinVar as a variant of uncertain significance (ClinVar Variant ID# 200024; Landrum et al., 2016); In silico analysis, which includes protein predictors and evolutionary conservation, supports a deleterious effect; Although located in a calcium-binding EGF-like domain of the FBN1 gene, it does not affect a cysteine residue within this domain; cysteine substitutions in the calcium-binding EGF-like domains represent the majority of pathogenic missense changes associated with FBN1-related disorders (Collod-Beroud et al., 2003).